The following is an entry in ClinVar:

NM_000261.2(MYOC):c.667C>T (p.Pro223Ser)

Gene: MYOC (myocilin; minus strand). Cytogenetic location: 1q24.3.
Variant type: single nucleotide variant.
Coding change: c.667C>T on transcript NM_000261.2 (MANE Select); coding-DNA position 667, C replaced by T.
Protein change: p.Pro223Ser; replaces proline 223 with serine.
Molecular consequence: missense variant.
Genome position (GRCh38, 1-based): chr1:171,638,660, G>A on the plus strand (C>T on the coding strand, the complement: MYOC is on the minus strand). VCF-style: chr1-171638660-G-A. GRCh37 (hg19) VCF-style: chr1-171607800-G-A.
Other names: NM_000261.2:c.667C>T; short protein forms P223S.
Identifiers: ClinVar variation 1723174 (VCV001723174.1), dbSNP rs200968862, ClinGen allele CA1244196.

ClinVar aggregate classification (germline): Uncertain significance (3 of 4 stars; one submission).

Conditions:
Open-angle glaucoma. Identifiers: MedGen C0017612, MONDO:0005338, HP:0012108.

Allele frequency attached by ClinVar (database versions not stated): ExAC 0.00001; gnomAD exomes below 0.00001; 1000 Genomes Project 0.00020; gnomAD 0.00001; 1000 Genomes Project 30x 0.00016.
gnomAD v4.1: 8 of 1,614,158 alleles (0.0005%); highest among the groups gnomAD compares: East Asian, 0.0022%; no homozygotes.

Submission:

ClinGen Glaucoma Variant Curation Expert Panel
Classification: Uncertain significance for Open-angle glaucoma. Last evaluated: 2026-01-12. Review status: reviewed by expert panel. Criteria: ClinGen Glaucoma ACMG Specifications V2.0.0 Approved. Collection method: curation. Allele origin: germline. Inheritance: Autosomal dominant inheritance.
Comment: The c.667C>T variant in MYOC is a missense variant predicted to cause substitution of Proline by Serine at amino acid 223 (p.Pro223Ser). The highest minor allele frequency of this variant was in the East Asian genetic ancestry group of gnomAD (v4.1.0) = 0.00002228 (1 allele out of 44,892), which met the ≤ 0.0001 threshold set for PM2_Supporting in a genetic ancestry group of at least 10,000 alleles. There was no computational or functional evidence predicting a damaging or benign impact of this variant on MYOC function. It was not stated how many probands with primary open angle glaucoma had been identified (PMID: 31302906), not meeting the ≥ 2 probands threshold required to meet PS4_Supporting. In summary, this variant met the criteria to receive a score of 1 and to be classified as a variant of uncertain significance (uncertain significance classification range -1 to 5, adapted from PMID: 32720330) for primary open angle glaucoma based on the ACMG/AMP criteria met, as specified by the ClinGen Glaucoma VCEP (v2.0.0, 5 Dec 2024): PM2_Supporting